The following is an entry in ClinVar:

ClinVar aggregate classification (germline): Uncertain significance. Review status: criteria provided, multiple submitters, no conflicts (2 of 4 stars). 2 submissions from 2 submitters: Uncertain significance (2). Last evaluated 2025-01-22.

Conditions:
Inborn genetic diseases. Identifiers: MedGen C0950123, MeSH D030342.

Allele frequency attached by ClinVar (database versions not stated): ExAC 0.00004; gnomAD exomes 0.00004 and 0.00006; TOPMed 0.00006; gnomAD 0.00008 and 0.00009.
gnomAD v4.1: 74 of 1,614,010 alleles (0.0046%); highest among the groups gnomAD compares: African/African-American, 0.019%; no homozygotes.

Submissions (2):

Ambry Genetics
Classification: Uncertain significance for Inborn genetic diseases. Last evaluated: 2025-01-22. Review status: criteria provided, single submitter. Criteria: Ambry Variant Classification Scheme 2023. Collection method: clinical testing. Allele origin: germline.

Labcorp Genetics (formerly Invitae), Labcorp
Classification: Uncertain significance. Last evaluated: 2022-06-18. Review status: criteria provided, single submitter. Criteria: Invitae Variant Classification Sherloc (09022015). Collection method: clinical testing. Allele origin: germline.
Comment: This sequence change replaces arginine, which is basic and polar, with glutamine, which is neutral and polar, at codon 54 of the C8B protein (p.Arg54Gln). This variant is present in population databases (rs772116036, gnomAD 0.02%). This variant has not been reported in the literature in individuals affected with C8B-related conditions. Algorithms developed to predict the effect of missense changes on protein structure and function are either unavailable or do not agree on the potential impact of this missense change (SIFT: "Tolerated"; PolyPhen-2: "Probably Damaging"; Align-GVGD: "Class C0"). Algorithms developed to predict the effect of sequence changes on RNA splicing suggest that this variant may disrupt the consensus splice site. In summary, the available evidence is currently insufficient to determine the role of this variant in disease. Therefore, it has been classified as a Variant of Uncertain Significance.

NM_000066.4(C8B):c.161G>A (p.Arg54Gln)

Gene: C8B (complement C8 beta chain; minus strand). Cytogenetic location: 1p32.2.
Variant type: single nucleotide variant.
Coding change: c.161G>A on transcript NM_000066.4 (MANE Select); coding-DNA position 161, G replaced by A.
Protein change: p.Arg54Gln; replaces arginine 54 with glutamine.
Molecular consequence: missense variant. On other transcripts: 5 prime UTR variant (1).
Genome position (GRCh38, 1-based): chr1:56,960,108, C>T on the plus strand (G>A on the coding strand, the complement: C8B is on the minus strand). VCF-style: chr1-56960108-C-T. GRCh37 (hg19) VCF-style: chr1-57425781-C-T.
Other names: c.5G>A, p.Arg2Gln (NM_001278543.2); c.-155G>A (NM_001278544.2); c.161G>A (NM_000066.2); short protein forms R2Q, R54Q.
Identifiers: ClinVar variation 1433606 (VCV001433606.4), dbSNP rs772116036, ClinGen allele CA876085.